The following is an entry in ClinVar:

NM_001759.4(CCND2):c.509A>G (p.Gln170Arg)

Gene: CCND2 (cyclin D2; plus strand). Cytogenetic location: 12p13.32.
Variant type: single nucleotide variant.
Coding change: c.509A>G on transcript NM_001759.4 (MANE Select); coding-DNA position 509, A replaced by G.
Protein change: p.Gln170Arg; replaces glutamine 170 with arginine.
Molecular consequence: missense variant.
Genome position (GRCh38, 1-based): chr12:4,278,857, A>G. VCF-style: chr12-4278857-A-G. GRCh37 (hg19) VCF-style: chr12-4388023-A-G.
Other names: short protein forms Q170R.
Identifiers: ClinVar variation 2120494 (VCV002120494.4), dbSNP rs2497491398, ClinGen allele CA383662585.

ClinVar aggregate classification (germline): Uncertain significance (1 of 4 stars; one submission).

Submission:

Labcorp Genetics (formerly Invitae), Labcorp
Classification: Uncertain significance. Last evaluated: 2022-08-16. Review status: criteria provided, single submitter. Criteria: Invitae Variant Classification Sherloc (09022015). Collection method: clinical testing. Allele origin: germline.
Comment: This sequence change replaces glutamine, which is neutral and polar, with arginine, which is basic and polar, at codon 170 of the CCND2 protein (p.Gln170Arg). This variant is not present in population databases (gnomAD no frequency). This variant has not been reported in the literature in individuals affected with CCND2-related conditions. Algorithms developed to predict the effect of missense changes on protein structure and function (SIFT, PolyPhen-2, Align-GVGD) all suggest that this variant is likely to be tolerated. In summary, the available evidence is currently insufficient to determine the role of this variant in disease. Therefore, it has been classified as a Variant of Uncertain Significance.